The following is an entry in ClinVar:

ClinVar aggregate classification (germline): Pathogenic/Likely pathogenic. Review status: criteria provided, multiple submitters, no conflicts (2 of 4 stars). 4 submissions from 4 submitters: Pathogenic (3); Likely pathogenic (1). Last evaluated 2025-12-15.

Conditions:
Hereditary cancer-predisposing syndrome. Also called: Neoplastic Syndromes, Hereditary; Tumor predisposition; Hereditary neoplastic syndrome; Hereditary Cancer Syndrome. Identifiers: Orphanet 140162, MedGen C0027672, MeSH D009386, MONDO:0015356.
Familial adenomatous polyposis 4 (FAP4). Also called: MSH3-related attenuated familial adenomatous polyposis. Identifiers: Orphanet 480536, MedGen C4310719, MONDO:0044300, OMIM 617100.
Endometrial carcinoma. Also called: Endometrial carcinoma, somatic. Identifiers: MedGen C0476089, MONDO:0002447, OMIM 608089, HP:0012114.

Allele frequency attached by ClinVar (database versions not stated): TOPMed 0.00002; gnomAD 0.00003; gnomAD exomes 0.00004.

Submissions (4):

Labcorp Genetics (formerly Invitae), Labcorp
Classification: Pathogenic. Last evaluated: 2025-12-15. Review status: criteria provided, single submitter. Criteria: Invitae Variant Classification Sherloc (09022015). Collection method: clinical testing. Allele origin: germline.
Comment: This sequence change creates a premature translational stop signal (p.Ile935Phefs*22) in the MSH3 gene. It is expected to result in an absent or disrupted protein product. Loss-of-function variants in MSH3 are known to be pathogenic (PMID: 27476653, 37402566). This variant is present in population databases (rs766672143, gnomAD 0.007%). This variant has not been reported in the literature in individuals affected with MSH3-related conditions. ClinVar contains an entry for this variant (Variation ID: 661402). For these reasons, this variant has been classified as Pathogenic.

Baylor Genetics
Classification: Likely pathogenic for Endometrial carcinoma. Last evaluated: 2024-03-19. Review status: criteria provided, single submitter. Criteria: ACMG Guidelines, 2015. Collection method: clinical testing. Allele origin: unknown.

Ambry Genetics
Classification: Pathogenic for Hereditary cancer-predisposing syndrome. Last evaluated: 2023-09-16. Review status: criteria provided, single submitter. Criteria: Ambry Variant Classification Scheme 2023. Collection method: clinical testing. Allele origin: germline.
Comment: The c.2803delA pathogenic mutation, located in coding exon 20 of the MSH3 gene, results from a deletion of one nucleotide at nucleotide position 2803, causing a translational frameshift with a predicted alternate stop codon (p.I935Ffs*22). This alteration was identified in 1/1358 non-cancer control individuals and in 0/57 cases, in a study assessing cancer predisposition mutations in cases with cutaneous melanoma and a history of at least two additional non-cutaneous melanoma primary cancers (Pritchard A et al. PLoS ONE 2018 Apr;13(4):e0194098). This alteration is expected to result in loss of function by premature protein truncation or nonsense-mediated mRNA decay. As such, this alteration is interpreted as a disease-causing mutation.

Myriad Genetics, Inc.
Classification: Pathogenic for Familial adenomatous polyposis 4. Last evaluated: 2023-08-31. Review status: criteria provided, single submitter. Criteria: Myriad Autosomal Dominant, Autosomal Recessive and X-Linked Classification Criteria (2023). Collection method: clinical testing. Allele origin: unknown.
Comment: This variant is considered pathogenic. This variant creates a frameshift predicted to result in premature protein truncation.

Literature cited by the submitters: PubMed 27476653 (cited by Labcorp Genetics (formerly Invitae), Labcorp); PubMed 37402566 (cited by Labcorp Genetics (formerly Invitae), Labcorp).

NM_002439.5(MSH3):c.2803del (p.Ile935fs)

Gene: MSH3 (mutS homolog 3; plus strand). Cytogenetic location: 5q14.1.
Variant type: Deletion.
Coding change: c.2803del on transcript NM_002439.5 (MANE Select); coding-DNA position 2803, one base deleted (A; older notation c.2803delA).
Protein change: p.Ile935fs; shifts the reading frame from isoleucine 935.
Molecular consequence: frameshift variant.
Genome position (GRCh38, 1-based): chr5:80,813,731, A deleted. VCF-style (leftmost placement, unchanged base first): chr5-80813730-CA-C. GRCh37 (hg19) VCF-style: chr5-80109549-CA-C.
Other names: short protein forms I935fs.
Identifiers: ClinVar variation 661402 (VCV000661402.14), dbSNP rs766672143, ClinGen allele CA121307597.